The following is an entry in ClinVar:

ClinVar aggregate classification (germline): Likely pathogenic. Review status: criteria provided, multiple submitters, no conflicts (2 of 4 stars). 2 submissions from 2 submitters: Likely pathogenic (2). Last evaluated 2021-03-10.

Conditions:
Congenital contractural arachnodactyly (CCA). Also called: BEALS SYNDROME; Beals-Hecht syndrome; Arthrogryposis, distal, type 9. Identifiers: Orphanet 115, MedGen C0220668, MONDO:0007363, OMIM 121050.
Familial thoracic aortic aneurysm and aortic dissection (TAAD). Also called: Thoracic aortic aneurysms and dissections. Identifiers: Orphanet 91387, MedGen C4707243, MONDO:0019625.

Submissions (2):

Labcorp Genetics (formerly Invitae), Labcorp
Classification: Likely pathogenic for Congenital contractural arachnodactyly. Last evaluated: 2021-03-10. Review status: criteria provided, single submitter. Criteria: Invitae Variant Classification Sherloc (09022015). Collection method: clinical testing. Allele origin: germline.
Comment: This sequence change replaces cysteine with tyrosine at codon 1240 of the FBN2 protein (p.Cys1240Tyr). The cysteine residue is highly conserved and there is a large physicochemical difference between cysteine and tyrosine. This variant is not present in population databases (ExAC no frequency). This variant has been observed in individual(s) with congenital contractural arachnodactyly (PMID: 31316167). ClinVar contains an entry for this variant (Variation ID: 519834). This variant affects a cysteine residue located within an epidermal growth factor (EGF)–like domain of the FBN2 protein. Cysteine residues in these domains are involved in the formation of disulfide bridges critical for protein structure and stability (PMID: 3495735, 4750422, 16677079). In addition, missense substitutions within the FBN2 EGF-like domains affecting cysteine residues are overrepresented in patients with congenital contractural arachnodactyly (PMID: 18767143). In summary, the currently available evidence indicates that the variant is pathogenic, but additional data are needed to prove that conclusively. Therefore, this variant has been classified as Likely Pathogenic.

Ambry Genetics
Classification: Likely pathogenic for Familial thoracic aortic aneurysm and aortic dissection. Last evaluated: 2017-01-11. Review status: criteria provided, single submitter. Criteria: Ambry Variant Classification Scheme 2023. Collection method: clinical testing. Allele origin: germline.
Comment: The p.C1240Y variant (also known as c.3719G>A), located in coding exon 28 of the FBN2 gene, results from a G to A substitution at nucleotide position 3719. The cysteine at codon 1240 is replaced by tyrosine, an amino acid with highly dissimilar properties. In one study, 13 of 14 reported FBN2 mutations were found in the middle region of the gene (exons 24-36), and 7 of these mutations were noted to alter or produce a cysteine residue (Callewaert BL et al. Hum Mutat. 2009;30(3):334-341). Based on internal structural analysis, p.C1240Y is predicted to eliminate a conserved disulfide in the cb EGF-like domain #15, suggesting disruption of folding of this domain (Downing AK et al. Cell. 1996;85:597-605). In one study, this variant was reported in a child with Beals syndrome (also known as congenital contractural arachnodactyly (CCA)), and the authors described the occurrence to be de novo (Semyachkina AN et al. Russian Bulletin of Perinatology and Pediatrics. 2016;61(5):47-51 [In Russian]). Another alteration involving the same amino acid, p.C1240R (referred to as p.C1239R), also has been reported in a patient with CCA (Gupta PA et al. Hum Mutat. 2002;19:39-48). This amino acid position is highly conserved in available vertebrate species. In addition, p.C1240Y is predicted to be probably damaging and deleterious by PolyPhen and SIFT in silico analyses, respectively. Based on the majority of available evidence to date, this variant is likely to be pathogenic.

Literature cited by the submitters: PubMed 31316167 (cited by Labcorp Genetics (formerly Invitae), Labcorp); PubMed 3495735 (cited by Labcorp Genetics (formerly Invitae), Labcorp); PubMed 4750422 (cited by Labcorp Genetics (formerly Invitae), Labcorp); PubMed 16677079 (cited by Labcorp Genetics (formerly Invitae), Labcorp); PubMed 18767143 (cited by Labcorp Genetics (formerly Invitae), Labcorp); PubMed 11754102 (cited by Ambry Genetics); PubMed 8653794 (cited by Ambry Genetics).

NM_001999.4(FBN2):c.3719G>A (p.Cys1240Tyr)

Gene: FBN2 (fibrillin 2; minus strand). Cytogenetic location: 5q23.3.
Variant type: single nucleotide variant.
Coding change: c.3719G>A on transcript NM_001999.4 (MANE Select); coding-DNA position 3719, G replaced by A.
Protein change: p.Cys1240Tyr; replaces cysteine 1240 with tyrosine.
Molecular consequence: missense variant.
Genome position (GRCh38, 1-based): chr5:128,335,993, C>T on the plus strand (G>A on the coding strand, the complement: FBN2 is on the minus strand). VCF-style: chr5-128335993-C-T. GRCh37 (hg19) VCF-style: chr5-127671685-C-T.
Other names: short protein forms C1240Y.
Identifiers: ClinVar variation 519834 (VCV000519834.15), dbSNP rs1554122896, ClinGen allele CA360758191.